The following is an entry in ClinVar:

NM_004586.3(RPS6KA3):c.1615_1616del (p.Asp539fs)

Gene: RPS6KA3 (ribosomal protein S6 kinase A3; minus strand). Cytogenetic location: Xp22.12.
Variant type: Microsatellite.
Coding change: c.1615_1616del on transcript NM_004586.3 (MANE Select); coding-DNA positions 1615 to 1616, 2 bases deleted (GA; older notation c.1615_1616delGA).
Protein change: p.Asp539fs; shifts the reading frame from aspartic acid 539.
Molecular consequence: frameshift variant.
Genome position (GRCh38, 1-based): chrX:20,165,047-20,165,048, TC deleted on the plus strand (GA on the coding strand, the reverse complement: RPS6KA3 is on the minus strand); deleting any 2 consecutive bases within chrX:20,165,047-20,165,051 gives the same sequence; the c. name uses the placement nearest the transcript's 3' end. VCF-style (leftmost placement, unchanged base first): chrX-20165046-GTC-G. GRCh37 (hg19) VCF-style: chrX-20183164-GTC-G.
Other names: short protein forms D539fs.
Identifiers: ClinVar variation 3760034 (VCV003760034.2).
Genomic context (GRCh38, chrX:20,165,046, plus strand): 5'-AATTCGAATAGATTCCGGATTACCAGATTCATCCACATAAAGAATGTTGCTAGGTTTCAA[GTC>G]TCTATGAACCACCTAATTGAAATACAAATTAAAGAGTTATGTTAACAATATATTTCCATT-3'

ClinVar aggregate classification (germline): Pathogenic (1 of 4 stars; one submission).

Conditions:
Coffin-Lowry syndrome (CLS). Also called: Mental retardation with osteocartilaginous abnormalities; COFFIN-LOWRY SYNDROME, MILD. Identifiers: Orphanet 192, MedGen C0265252, MONDO:0010561, OMIM 303600.
Intellectual developmental disorder, X-linked 19. Also called: Intellectual disability, X-linked 19. Identifiers: Orphanet 777, MedGen C0796225, MONDO:0010447, OMIM 300844.

Submission:

Labcorp Genetics (formerly Invitae), Labcorp
Classification: Pathogenic for Coffin-Lowry syndrome; Intellectual developmental disorder, X-linked 19. Last evaluated: 2024-12-12. Review status: criteria provided, single submitter. Criteria: Invitae Variant Classification Sherloc (09022015). Collection method: clinical testing. Allele origin: germline.
Comment: This sequence change creates a premature translational stop signal (p.Asp539Leufs*4) in the RPS6KA3 gene. It is expected to result in an absent or disrupted protein product. Loss-of-function variants in RPS6KA3 are known to be pathogenic (PMID: 9837815, 19888300). This variant is not present in population databases (gnomAD no frequency). This variant has not been reported in the literature in individuals affected with RPS6KA3-related conditions. For these reasons, this variant has been classified as Pathogenic.

Literature cited by the submitters: PubMed 9837815; PubMed 19888300.